The following is an entry in ClinVar:

ClinVar aggregate classification (germline): Uncertain significance. Review status: criteria provided, multiple submitters, no conflicts (2 of 4 stars). 2 submissions from 2 submitters: Uncertain significance (2). Last evaluated 2023-01-31.

Allele frequency attached by ClinVar (database versions not stated): gnomAD 0.00001; TOPMed 0.00002.
gnomAD v4.1: 13 of 1,613,998 alleles (0.00081%); highest among the groups gnomAD compares: Middle Eastern, 0.033%; no homozygotes.

Submissions (2):

Blueprint Genetics
Classification: Uncertain significance. Last evaluated: 2023-01-31. Review status: criteria provided, single submitter. Criteria: ACMG Guidelines, 2015. Collection method: clinical testing. Allele origin: germline.

Labcorp Genetics (formerly Invitae), Labcorp
Classification: Uncertain significance. Last evaluated: 2022-05-25. Review status: criteria provided, single submitter. Criteria: Invitae Variant Classification Sherloc (09022015). Collection method: clinical testing. Allele origin: germline.
Comment: This sequence change replaces proline, which is neutral and non-polar, with arginine, which is basic and polar, at codon 54 of the CNGB1 protein (p.Pro54Arg). This variant is present in population databases (no rsID available, gnomAD 0.0009%). This variant has not been reported in the literature in individuals affected with CNGB1-related conditions. Algorithms developed to predict the effect of missense changes on protein structure and function (SIFT, PolyPhen-2, Align-GVGD) all suggest that this variant is likely to be tolerated. In summary, the available evidence is currently insufficient to determine the role of this variant in disease. Therefore, it has been classified as a Variant of Uncertain Significance.

NM_001297.5(CNGB1):c.161C>G (p.Pro54Arg)

Gene: CNGB1 (cyclic nucleotide gated channel subunit beta 1; minus strand). Cytogenetic location: 16q21.
Variant type: single nucleotide variant.
Coding change: c.161C>G on transcript NM_001297.5 (MANE Select); coding-DNA position 161, C replaced by G.
Protein change: p.Pro54Arg; replaces proline 54 with arginine.
Molecular consequence: missense variant.
Genome position (GRCh38, 1-based): chr16:57,964,543, G>C on the plus strand (C>G on the coding strand, the complement: CNGB1 is on the minus strand). VCF-style: chr16-57964543-G-C. GRCh37 (hg19) VCF-style: chr16-57998447-G-C.
Other names: c.161C>G, p.Pro54Arg (NM_001135639.2, NM_001286130.2); short protein forms P54R.
Identifiers: ClinVar variation 1366938 (VCV001366938.4), dbSNP rs1350927024, ClinGen allele CA396080738.
Genomic context (GRCh38, chr16:57,964,543, plus strand): 5'-TCACCCTGAGGGCTTGGGTCTGCCACAGCCACTTCCTCCTCCTTGAATGACTCTTCGGGG[G>C]GCTAGAGGGTTCGAACAGGATCATGTAAGTCCTAGGTGAGACCAGCCTGGTTTGGACAGG-3'
Protein context (NP_001288.3, residues 44-64): EEAETESESM[Pro54Arg]PEESFKEEEV